The following is an entry in ClinVar:

ClinVar aggregate classification (germline): Benign. Review status: criteria provided, multiple submitters, no conflicts (2 of 4 stars). 2 submissions from 2 submitters: Benign (2). Last evaluated 2022-09-15.

Conditions:
Acrodysostosis 2 with or without hormone resistance. Also called: ACRODYSOSTOSIS 2 WITH HORMONE RESISTANCE; ACRODYSOSTOSIS 2 WITHOUT HORMONE RESISTANCE. Identifiers: Orphanet 280651, MedGen C3553250, MONDO:0013822, OMIM 614613.

Allele frequency attached by ClinVar (database versions not stated): gnomAD exomes 0.00001 and 0.00003; gnomAD 0.00003; TOPMed 0.00003; ExAC 0.00005.
gnomAD v4.1: 16 of 1,602,764 alleles (0.001%); highest among the groups gnomAD compares: East Asian, 0.029%; no homozygotes.

Submissions (2):

Labcorp Genetics (formerly Invitae), Labcorp
Classification: Benign. Last evaluated: 2022-09-15. Review status: criteria provided, single submitter. Criteria: Invitae Variant Classification Sherloc (09022015). Collection method: clinical testing. Allele origin: germline.

Illumina Laboratory Services, Illumina
Classification: Benign for Acrodysostosis 2 with or without hormone resistance. Last evaluated: 2018-01-12. Review status: criteria provided, single submitter. Criteria: ICSL Variant Classification Criteria 13 December 2019. Collection method: clinical testing. Allele origin: germline.
Comment: This variant was observed in the ICSL laboratory as part of a predisposition screen in an ostensibly healthy population. It had not been previously curated by ICSL or reported in the Human Gene Mutation Database (HGMD: prior to June 1st, 2018), and was therefore a candidate for classification through an automated scoring system. Utilizing variant allele frequency, disease prevalence and penetrance estimates, and inheritance mode, an automated score was calculated to assess if this variant is too frequent to cause the disease. Based on the score and internal cut-off values, a variant classified as benign is not then subjected to further curation. The score for this variant resulted in a classification of benign for this disease.

NM_001104631.2(PDE4D):c.2401G>A (p.Val801Ile)

Gene: PDE4D (phosphodiesterase 4D; minus strand). Cytogenetic location: 5q11.2.
Variant type: single nucleotide variant.
Coding change: c.2401G>A on transcript NM_001104631.2 (MANE Select); coding-DNA position 2401, G replaced by A.
Protein change: p.Val801Ile; replaces valine 801 with isoleucine.
Molecular consequence: missense variant.
Genome position (GRCh38, 1-based): chr5:58,974,693, C>T on the plus strand (G>A on the coding strand, the complement: PDE4D is on the minus strand). VCF-style: chr5-58974693-C-T. GRCh37 (hg19) VCF-style: chr5-58270520-C-T.
Other names: c.2218G>A, p.Val740Ile (NM_001165899.2, NM_001364599.1); c.2209G>A, p.Val737Ile (NM_001197218.2); c.2035G>A, p.Val679Ile (NM_001197219.2); c.2011G>A, p.Val671Ile (NM_001197220.2); c.1495G>A, p.Val499Ile (NM_001197221.2, NM_001364603.1); c.1729G>A, p.Val577Ile (NM_001197222.2); c.1528G>A, p.Val510Ile (NM_001197223.2); c.2188G>A, p.Val730Ile (NM_001349241.2); and 3 more; short protein forms V545I, V679I, V730I, V801I, V737I, V740I, V499I, V510I.
Identifiers: ClinVar variation 904242 (VCV000904242.8), dbSNP rs747415773, ClinGen allele CA3275892.
Genomic context (GRCh38, chr5:58,974,693, plus strand): 5'-AAAAAAAAAAGGCATGAAAGTTTTTGCACTGTTACGTGTCAGGAGAACGATCATCTATGA[C>T]ACAGGCTTCAGGCTGGCTTTCCTCTTCTTCCCCTACTGCCTCCTCTTCAACCTGTTCATC-3'
Protein context (NP_001098101.1, residues 791-809): EEEESQPEAC[Val801Ile]IDDRSPDT